The following is an entry in ClinVar:

NM_001377458.1(CLCC1):c.561+5G>A

Gene: CLCC1 (chloride channel CLIC like 1; minus strand). Cytogenetic location: 1p13.3.
Variant type: single nucleotide variant.
Coding change: c.561+5G>A on transcript NM_001377458.1 (MANE Select); 5 bases into the intron after coding-DNA position 561, G replaced by A.
Molecular consequence: intron variant.
Genome position (GRCh38, 1-based): chr1:108,943,831, C>T on the plus strand (G>A on the coding strand, the complement: CLCC1 is on the minus strand). VCF-style: chr1-108943831-C-T. GRCh37 (hg19) VCF-style: chr1-109486453-C-T.
Other names: c.561+5G>A (NM_001377464.1, NM_001377462.1, NM_001377467.1 and 8 more transcripts); c.459+5G>A (NM_001377469.1); c.411+5G>A (NM_015127.5); c.270+5G>A (NM_001377470.1); c.340-2333G>A (NM_001278202.2); c.339+3780G>A (NM_001278203.1).
Identifiers: ClinVar variation 1391647 (VCV001391647.6), dbSNP rs768420954, ClinGen allele CA983574.
Genomic context (GRCh38, chr1:108,943,831, plus strand): 5'-GGAGTTTGGAAAGTATTTTAAAAAGGAAACTTAATGACGTTGCCCTTGCCCTCATCCCAT[C>T]TTACCATTAACACATTATATGGATCCACTCCAAAGGAATCTTCGAATCGCCACTTCCATG-3'

ClinVar aggregate classification (germline): Uncertain significance (1 of 4 stars; one submission).

Allele frequency attached by ClinVar (database versions not stated): gnomAD exomes below 0.00001; ExAC 0.00001.
gnomAD v4.1: 3 of 1,601,726 alleles (0.00019%); highest among the groups gnomAD compares: Admixed American, 0.0034%; no homozygotes.

Submission:

Labcorp Genetics (formerly Invitae), Labcorp
Classification: Uncertain significance. Last evaluated: 2022-08-16. Review status: criteria provided, single submitter. Criteria: Invitae Variant Classification Sherloc (09022015). Collection method: clinical testing. Allele origin: germline.
Comment: This sequence change falls in intron 5 of the CLCC1 gene. It does not directly change the encoded amino acid sequence of the CLCC1 protein. It affects a nucleotide within the consensus splice site. This variant is present in population databases (rs768420954, gnomAD 0.003%). This variant has not been reported in the literature in individuals affected with CLCC1-related conditions. ClinVar contains an entry for this variant (Variation ID: 1391647). Variants that disrupt the consensus splice site are a relatively common cause of aberrant splicing (PMID: 17576681, 9536098). Algorithms developed to predict the effect of sequence changes on RNA splicing suggest that this variant may disrupt the consensus splice site. In summary, the available evidence is currently insufficient to determine the role of this variant in disease. Therefore, it has been classified as a Variant of Uncertain Significance.

Literature cited by the submitters: PubMed 17576681; PubMed 9536098.